The following is an entry in ClinVar:

ClinVar aggregate classification (germline): Likely benign (0 of 4 stars; one submission).

Conditions:
ANKK1-related disorder. Also called: ANKK1-related condition.

Allele frequency attached by ClinVar (database versions not stated): gnomAD 0.00001; gnomAD exomes 0.00002; TOPMed 0.00002; ExAC 0.00004.
gnomAD v4.1: 27 of 1,606,990 alleles (0.0017%); highest among the groups gnomAD compares: Admixed American, 0.0084%; no homozygotes.

Submission:

PreventionGenetics, part of Exact Sciences
Classification: Likely benign for ANKK1-related condition. Last evaluated: 2019-10-18. Review status: no assertion criteria provided. Collection method: clinical testing. Allele origin: germline.
Comment: This variant is classified as likely benign based on ACMG/AMP sequence variant interpretation guidelines (Richards et al. 2015 PMID: 25741868, with internal and published modifications).

NM_178510.2(ANKK1):c.1284C>T (p.Gly428=)

Gene: ANKK1 (ankyrin repeat and kinase domain containing 1; plus strand). Cytogenetic location: 11q23.2.
Variant type: single nucleotide variant.
Coding change: c.1284C>T on transcript NM_178510.2 (MANE Select); coding-DNA position 1284, C replaced by T.
Protein change: p.Gly428=; no amino-acid change (glycine 428 retained).
Molecular consequence: synonymous variant.
Genome position (GRCh38, 1-based): chr11:113,399,253, C>T. VCF-style: chr11-113399253-C-T. GRCh37 (hg19) VCF-style: chr11-113269975-C-T.
Identifiers: ClinVar variation 3045657 (VCV003045657.2), dbSNP rs747682799, ClinGen allele CA6280916.